The following is an entry in ClinVar:

NM_000186.4(CFH):c.2932T>C (p.Trp978Arg)

Gene: CFH (complement factor H; plus strand). Cytogenetic location: 1q31.3.
Variant type: single nucleotide variant.
Coding change: c.2932T>C on transcript NM_000186.4 (MANE Select); coding-DNA position 2932, T replaced by C.
Protein change: p.Trp978Arg; replaces tryptophan 978 with arginine.
Molecular consequence: missense variant.
Genome position (GRCh38, 1-based): chr1:196,740,768, T>C. VCF-style: chr1-196740768-T-C. GRCh37 (hg19) VCF-style: chr1-196709898-T-C.
Other names: short protein forms W978R.
Identifiers: ClinVar variation 4291523 (VCV004291523.2).

ClinVar aggregate classification (germline): Likely pathogenic, low penetrance (1 of 4 stars; one submission).

Conditions:
Atypical hemolytic-uremic syndrome. Identifiers: Orphanet 2134, MedGen C2931788, MONDO:0016244.
Age related macular degeneration 4. Identifiers: MedGen C1853147, MONDO:0012540, OMIM 610698.

Submission:

Genomenon, Inc
Classification: Likely pathogenic, low penetrance for Atypical hemolytic-uremic syndrome; Age related macular degeneration 4. Last evaluated: 2025-10-02. Review status: criteria provided, single submitter. Criteria: Genomenon Sequence Variant Interpretation Standards - Updated. Collection method: curation. Allele origin: germline. Affected: yes.
Comment: CFH p.Trp978Arg (c.2932T>C) is a missense variant that changes the amino acid at residue 978 from Tryptophan to Arginine. This variant has been observed in at least one proband affected with a CFH-related disorder (PMID:26501415;36845135). It is absent or not present at a significant frequency in gnomAD. In silico models agree that this variant is possibly or probably damaging. In conclusion, we classify CFH p.Trp978Arg (c.2932T>C) as a likely pathogenic, low penetrance variant.

Literature cited by the submitters: PubMed 26501415; PubMed 36845135; PubMed 29686068.